The following is an entry in ClinVar:

NM_000179.3(MSH6):c.3980A>T (p.Asn1327Ile)

Gene: MSH6 (mutS homolog 6; plus strand). Cytogenetic location: 2p16.3.
Variant type: single nucleotide variant.
Coding change: c.3980A>T on transcript NM_000179.3 (MANE Select); coding-DNA position 3980, A replaced by T.
Protein change: p.Asn1327Ile; replaces asparagine 1327 with isoleucine.
Molecular consequence: missense variant.
Genome position (GRCh38, 1-based): chr2:47,806,630, A>T. VCF-style: chr2-47806630-A-T. GRCh37 (hg19) VCF-style: chr2-48033769-A-T.
Other names: c.3590A>T, p.Asn1197Ile (NM_001281492.2); c.3074A>T, p.Asn1025Ile (NM_001281493.2, NM_001281494.2); short protein forms N1197I, N1025I, N1327I.
Identifiers: ClinVar variation 824456 (VCV000824456.4), dbSNP rs780187989, ClinGen allele CA346761576.

ClinVar aggregate classification (germline): Uncertain significance (1 of 4 stars; one submission).

Conditions:
Hereditary cancer-predisposing syndrome. Also called: Neoplastic Syndromes, Hereditary; Tumor predisposition; Hereditary neoplastic syndrome; Hereditary Cancer Syndrome. Identifiers: Orphanet 140162, MedGen C0027672, MeSH D009386, MONDO:0015356.

Submission:

Ambry Genetics
Classification: Uncertain significance for Hereditary cancer-predisposing syndrome. Last evaluated: 2018-09-25. Review status: criteria provided, single submitter. Criteria: Ambry Variant Classification Scheme 2023. Collection method: clinical testing. Allele origin: germline.
Comment: The p.N1327I variant (also known as c.3980A>T), located in coding exon 9 of the MSH6 gene, results from an A to T substitution at nucleotide position 3980. The asparagine at codon 1327 is replaced by isoleucine, an amino acid with dissimilar properties. This amino acid position is poorly conserved in available vertebrate species. In addition, the in silico prediction for this alteration is inconclusive. In addition, the CoDP in silico tool predicts this alteration to have minor impact on molecular function, with a score of 0.019 (Terui H et al. J. Biomed. Sci. 2013 Apr;20:25). Since supporting evidence is limited at this time, the clinical significance of this alteration remains unclear.